The following is an entry in ClinVar:

NM_000533.5(PLP1):c.384C>T (p.Gly128=)

Genes: PLP1 (proteolipid protein 1; plus strand), RAB9B (RAB9B, member RAS oncogene family; minus strand). Cytogenetic location: Xq22.2.
Variant type: single nucleotide variant.
Coding change: c.384C>T on transcript NM_000533.5 (MANE Select); coding-DNA position 384, C replaced by T.
Protein change: p.Gly128=; no amino-acid change (glycine 128 retained).
Molecular consequence: synonymous variant. On other transcripts: intron variant (1).
Genome position (GRCh38, 1-based): chrX:103,786,657, C>T. VCF-style: chrX-103786657-C-T. GRCh37 (hg19) VCF-style: chrX-103041586-C-T.
Other names: c.384C>T, p.Gly128= (NM_001128834.3); c.219C>T, p.Gly73= (NM_001305004.1); c.348+36C>T (NM_199478.3).
Identifiers: ClinVar variation 3255423 (VCV003255423.2), dbSNP rs1602382946.

ClinVar aggregate classification (germline): Uncertain significance (1 of 4 stars; one submission).

Conditions:
Pelizaeus-Merzbacher disease. Also called: LEUKODYSTROPHY, HYPOMYELINATING, 1; Sudanophilic leukodystrophy; Pelizaeus-Merzbacher spectrum disorder; Pelizaeus-Merzbacher Disease (PMD); Pelizeaus-Merzbacher spectrum disorder. Identifiers: Orphanet 702, MedGen C0205711, MONDO:0010714, OMIM 312080, HP:0003269.

Submission:

Molecular Diagnostics Lab, Nemours Children's Health, Delaware
Classification: Uncertain significance for Pelizaeus-Merzbacher disease. Last evaluated: 2021-11-19. Review status: criteria provided, single submitter. Criteria: ACMG Guidelines, 2015. Collection method: clinical testing. Allele origin: unknown. Inheritance: X-linked inheritance. Affected: yes. Observed: 1 hemizygote.
Comment: This variant (c.384C>T, p.Gly128=) predicts a synonymous change and has not been observed in population databases (gnomAD). It has not been described in the literature, although a base change within the same codon that also codes for p.Gly128= has been decsribed (PMID 1376553). No functional studies have been published. There is insufficient evidence available to provide a classification other than uncertain significance for this variant.

Literature cited by the submitters: PubMed 1376553.